The following is an entry in ClinVar:

ClinVar aggregate classification (germline): Uncertain significance (1 of 4 stars; one submission).

gnomAD v4.1: 1 of 1,614,076 alleles (0.000062%); highest among the groups gnomAD compares: Middle Eastern, 0.017%; no homozygotes.

Submission:

Women's Health and Genetics/Laboratory Corporation of America, LabCorp
Classification: Uncertain significance. Last evaluated: 2024-06-24. Review status: criteria provided, single submitter. Criteria: LabCorp Variant Classification Summary - May 2015. Collection method: clinical testing. Allele origin: germline.
Comment: Variant summary: CRB1 c.980G>T (p.Cys327Phe) results in a non-conservative amino acid change located in the EGF like domain of the encoded protein sequence. Five of five in-silico tools predict a damaging effect of the variant on protein function. The variant was absent in 251422 control chromosomes. The available data on variant occurrences in the general population are insufficient to allow any conclusion about variant significance. c.980G>T has been reported in the literature in at-least one individual affected with Retinal Dystrophy (example: Taylor_2017). These report(s) do not provide unequivocal conclusions about association of the variant with Retinal Dystrophy. To our knowledge, no experimental evidence demonstrating an impact on protein function has been reported. The following publication has been ascertained in the context of this evaluation (PMID: 28341476). No submitters have cited clinical-significance assessments for this variant to ClinVar. Based on the evidence outlined above, the variant was classified as uncertain significance.

Literature cited by the submitters: PubMed 28341476.

NM_201253.3(CRB1):c.980G>T (p.Cys327Phe)

Gene: CRB1 (crumbs cell polarity complex component 1; plus strand). Cytogenetic location: 1q31.3.
Variant type: single nucleotide variant.
Coding change: c.980G>T on transcript NM_201253.3 (MANE Select); coding-DNA position 980, G replaced by T.
Protein change: p.Cys327Phe; replaces cysteine 327 with phenylalanine.
Molecular consequence: missense variant. On other transcripts: non-coding transcript variant (2), intron variant (1).
Genome position (GRCh38, 1-based): chr1:197,347,471, G>T. VCF-style: chr1-197347471-G-T. GRCh37 (hg19) VCF-style: chr1-197316601-G-T.
Other names: c.773G>T, p.Cys258Phe (NM_001257965.2); c.980G>T, p.Cys327Phe (NM_001257966.2); c.653-9360G>T (NM_001193640.2); short protein forms C258F, C327F.
Identifiers: ClinVar variation 3339812 (VCV003339812.1).